The following is an entry in ClinVar:

ClinVar aggregate classification (germline): Uncertain significance. Review status: criteria provided, multiple submitters, no conflicts (2 of 4 stars). 5 submissions from 5 submitters: Uncertain significance (5). Last evaluated 2026-04-02.

Conditions:
Aortic aneurysm, familial thoracic 4 (AAT4). Also called: AORTIC ANEURYSM/AORTIC DISSECTION AND PATENT DUCTUS ARTERIOSUS. Identifiers: MedGen C1851504, MONDO:0007568, OMIM 132900.
Visceral myopathy 2. Identifiers: MedGen C5543466, MONDO:0859157, OMIM 619350.
Megacystis-microcolon-intestinal hypoperistalsis syndrome 2. Identifiers: MedGen C5543476, MONDO:0025708, OMIM 619351.
Familial thoracic aortic aneurysm and aortic dissection (TAAD). Also called: Thoracic aortic aneurysms and dissections. Identifiers: Orphanet 91387, MedGen C4707243, MONDO:0019625.

Allele frequency attached by ClinVar (database versions not stated): gnomAD 0.00001; gnomAD exomes below 0.00001; TOPMed 0.00002.
gnomAD v4.1: 4 of 1,613,788 alleles (0.00025%); highest among the groups gnomAD compares: African/African-American, 0.0053%; no homozygotes.

Submissions (5):

Ambry Genetics
Classification: Uncertain significance for Familial thoracic aortic aneurysm and aortic dissection. Last evaluated: 2026-04-02. Review status: criteria provided, single submitter. Criteria: Ambry Variant Classification Scheme 2023. Collection method: clinical testing. Allele origin: germline.
Comment: The p.R1007K variant (also known as c.3020G>A), located in coding exon 23 of the MYH11 gene, results from a G to A substitution at nucleotide position 3020. The arginine at codon 1007 is replaced by lysine, an amino acid with highly similar properties. This amino acid position is conserved. In addition, the in silico prediction for this alteration is inconclusive. Based on the available evidence, the clinical significance of this variant remains unclear.

All of Us Research Program, National Institutes of Health
Classification: Uncertain significance for Familial thoracic aortic aneurysm and aortic dissection. Last evaluated: 2024-01-11. Review status: criteria provided, single submitter. Criteria: ACMG Guidelines, 2015. Collection method: clinical testing. Allele origin: germline. Inheritance: Autosomal dominant inheritance. Observed: 1 variant allele, 1 heterozygote.
Comment: This study involves interpretation of variants in research participants for the purpose of population health screening. Participant phenotype was not available at the time of variant classification. Additional details can be found in publication PMID: 35346344, PMCID: PMC8962531

Fulgent Genetics
Classification: Uncertain significance for Aortic aneurysm, familial thoracic 4; Visceral myopathy 2; Megacystis-microcolon-intestinal hypoperistalsis syndrome 2. Last evaluated: 2021-07-27. Review status: criteria provided, single submitter. Criteria: ACMG Guidelines, 2015. Collection method: clinical testing. Allele origin: unknown.

Labcorp Genetics (formerly Invitae), Labcorp
Classification: Uncertain significance for Aortic aneurysm, familial thoracic 4. Last evaluated: 2019-01-29. Review status: criteria provided, single submitter. Criteria: Invitae Variant Classification Sherloc (09022015). Collection method: clinical testing. Allele origin: germline.
Comment: In summary, the available evidence is currently insufficient to determine the role of this variant in disease. Therefore, it has been classified as a Variant of Uncertain Significance. Algorithms developed to predict the effect of missense changes on protein structure and function are either unavailable or do not agree on the potential impact of this missense change (SIFT: "Tolerated"; PolyPhen-2: "Probably Damaging"; Align-GVGD: "Class C0"). This variant has not been reported in the literature in individuals with MYH11-related conditions. This variant is not present in population databases (ExAC no frequency). This sequence change replaces arginine with lysine at codon 1014 of the MYH11 protein (p.Arg1014Lys). The arginine residue is highly conserved and there is a small physicochemical difference between arginine and lysine.

Breakthrough Genomics
Classification: Uncertain significance. Review status: criteria provided, single submitter. Criteria: ACMG Guidelines, 2015. Collection method: not provided. Allele origin: germline. Inheritance: Autosomal recessive inheritance. Affected: yes.

NM_002474.3(MYH11):c.3020G>A (p.Arg1007Lys)

Gene: MYH11 (myosin heavy chain 11; minus strand). Cytogenetic location: 16p13.11.
Variant type: single nucleotide variant.
Coding change: c.3020G>A on transcript NM_002474.3 (MANE Select); coding-DNA position 3020, G replaced by A.
Protein change: p.Arg1007Lys; replaces arginine 1007 with lysine.
Molecular consequence: missense variant.
Genome position (GRCh38, 1-based): chr16:15,738,666, C>T on the plus strand (G>A on the coding strand, the complement: MYH11 is on the minus strand). VCF-style: chr16-15738666-C-T. GRCh37 (hg19) VCF-style: chr16-15832523-C-T.
Other names: c.3020G>A (NM_002474.2); c.3041G>A, p.Arg1014Lys (NM_001040113.2, NM_001040114.2); c.3020G>A, p.Arg1007Lys (NM_022844.3); short protein forms R1007K, R1014K.
Identifiers: ClinVar variation 839021 (VCV000839021.14), dbSNP rs1357435865, ClinGen allele CA394864047.
Genomic context (GRCh38, chr16:15,738,666, plus strand): 5'-TTGGTAAGATTCTTGGCCTTTTCTTCCTCTTCTGCAAGATTTGTCGTTAAGTCACTAATC[C>T]TCTCCTCAAGGAGTTTTCGTTCCTTTTTGGGGAAAGAGAAAGAGATAGCTTTAGGATTTT-3'
Protein context (NP_002465.1, residues 997-1017): LSKERKLLEE[Arg1007Lys]ISDLTTNLAE